The following is an entry in ClinVar:

NM_001042472.3(ABHD12):c.1185G>A (p.Glu395=)

Gene: ABHD12 (abhydrolase domain containing 12, lysophospholipase; minus strand). Cytogenetic location: 20p11.21.
Variant type: single nucleotide variant.
Coding change: c.1185G>A on transcript NM_001042472.3 (MANE Select); coding-DNA position 1185, G replaced by A.
Protein change: p.Glu395=; no amino-acid change (glutamic acid 395 retained).
Molecular consequence: synonymous variant. On other transcripts: intron variant (1).
Genome position (GRCh38, 1-based): chr20:25,300,857, C>T on the plus strand (G>A on the coding strand, the complement: ABHD12 is on the minus strand). VCF-style: chr20-25300857-C-T. GRCh37 (hg19) VCF-style: chr20-25281493-C-T.
Other names: p.Glu395=; c.1157+1362G>A (NM_015600.5).
Identifiers: ClinVar variation 668427 (VCV000668427.13), dbSNP rs763178289, ClinGen allele CA9795790.

ClinVar aggregate classification (germline): Likely benign. Review status: criteria provided, multiple submitters, no conflicts (2 of 4 stars). 5 submissions from 5 submitters: Likely benign (4). 1 of the submissions does not count toward it. Last evaluated 2026-02-03.

Conditions:
ABHD12-related disorder. Also called: ABHD12-related condition.

Allele frequency attached by ClinVar (database versions not stated): gnomAD 0.00001; gnomAD exomes 0.00001 and 0.00003; TOPMed 0.00001; ExAC 0.00003.
gnomAD v4.1: 9 of 1,613,974 alleles (0.00056%); highest among the groups gnomAD compares: East Asian, 0.013%; no homozygotes.

Submissions (5):

Labcorp Genetics (formerly Invitae), Labcorp
Classification: Likely benign. Last evaluated: 2026-02-03. Review status: criteria provided, single submitter. Criteria: Invitae Variant Classification Sherloc (09022015). Collection method: clinical testing. Allele origin: germline.

Mayo Clinic Laboratories, Mayo Clinic
Classification: Likely benign. Last evaluated: 2025-03-13. Review status: criteria provided, single submitter. Criteria: ACMG Guidelines, 2015. Collection method: clinical testing. Allele origin: germline. Observed: 1 variant allele.
Comment: BP4, BP7, PM2_supporting

Blueprint Genetics
Classification: Likely benign. Last evaluated: 2022-02-18. Review status: criteria provided, single submitter. Criteria: ACMG Guidelines, 2015. Collection method: clinical testing. Allele origin: germline.

GeneDx
Classification: Likely benign. Last evaluated: 2020-02-21. Review status: criteria provided, single submitter. Criteria: GeneDx Variant Classification Process June 2021. Collection method: clinical testing. Allele origin: germline. Affected: yes.

PreventionGenetics, part of Exact Sciences
Classification: Likely benign for ABHD12-related condition. Last evaluated: 2019-10-15. Review status: no assertion criteria provided. Collection method: clinical testing. Allele origin: germline. Not counted in ClinVar's aggregate classification.
Comment: This variant is classified as likely benign based on ACMG/AMP sequence variant interpretation guidelines (Richards et al. 2015 PMID: 25741868, with internal and published modifications).